The following is an entry in ClinVar:

ClinVar aggregate classification (germline): Uncertain significance (1 of 4 stars; one submission).

Conditions:
Cardiovascular phenotype. Identifiers: MedGen CN230736.

Submission:

Ambry Genetics
Classification: Uncertain significance for Cardiovascular phenotype. Last evaluated: 2025-11-21. Review status: criteria provided, single submitter. Criteria: Ambry Variant Classification Scheme 2023. Collection method: clinical testing. Allele origin: germline.
Comment: The c.9482_9484dupTTG variant (also known as p.V3161dup), located in coding exon 39 of the AKAP9 gene, results from an in-frame duplication of TTG at nucleotide positions 9482 to 9484. This results in the duplication of an extra residue between codons 3161 and 3162. This amino acid position is not well conserved in available vertebrate species. In addition, this variant is predicted to be deleterious by in silico analysis (Choi Y et al. PLoS ONE. 2012; 7(10):e46688). The evidence for this gene-disease relationship is limited; therefore, the clinical significance of this alteration is unclear.

NM_005751.5(AKAP9):c.9482_9484dup (p.Val3161_Ala3162insVal)

Gene: AKAP9 (A-kinase anchoring protein 9; plus strand). Cytogenetic location: 7q21.2.
Variant type: Duplication.
Coding change: c.9482_9484dup on transcript NM_005751.5 (MANE Select); coding-DNA positions 9482 to 9484, 3 bases duplicated (TTG; older notation c.9482_9484dupTTG).
Protein change: p.Val3161_Ala3162insVal.
Molecular consequence: inframe insertion. On other transcripts: inframe indel (1).
Genome position (GRCh38, 1-based): chr7:92,093,220-92,093,222, TTG duplicated; duplicating any 3 consecutive bases within chr7:92,093,219-92,093,222 gives the same sequence; the c. name uses the placement nearest the transcript's 3' end. VCF-style (leftmost placement, unchanged base first): chr7-92093218-G-GGTT. GRCh37 (hg19) VCF-style: chr7-91722532-G-GGTT.
Other names: c.4127_4129dup, p.Val1376_Ala1377insVal (NM_001379277.1); c.9458_9460dup, p.Val3153_Ala3154insVal (NM_147185.3); c.9482_9484dupTTG (NM_005751.4).
Identifiers: ClinVar variation 4613406 (VCV004613406.1).